The following is an entry in ClinVar:

ClinVar aggregate classification (germline): Uncertain significance (1 of 4 stars; one submission).

Conditions:
Familial cancer of breast. Also called: hereditary breast carcinoma; BREAST CANCER, FAMILIAL; Hereditary breast cancer. Identifiers: Orphanet 227535, MedGen C0346153, MONDO:0016419, OMIM 114480. Disease mechanism: loss of function.

Allele frequency attached by ClinVar (database versions not stated): gnomAD exomes below 0.00001.
gnomAD v4.1: 1 of 1,614,146 alleles (0.000062%); highest among the groups gnomAD compares: Non-Finnish European, 0.000085%; no homozygotes.

Submission:

Labcorp Genetics (formerly Invitae), Labcorp
Classification: Uncertain significance for Familial cancer of breast. Last evaluated: 2018-02-16. Review status: criteria provided, single submitter. Criteria: Invitae Variant Classification Sherloc (09022015). Collection method: clinical testing. Allele origin: germline.
Comment: This sequence change replaces aspartic acid with histidine at codon 255 of the PALB2 protein (p.Asp255His). The aspartic acid residue is moderately conserved and there is a moderate physicochemical difference between aspartic acid and histidine. In summary, the available evidence is currently insufficient to determine the role of this variant in disease. Therefore, it has been classified as a Variant of Uncertain Significance. Algorithms developed to predict the effect of missense changes on protein structure and function do not agree on the potential impact of this missense change (SIFT: "Deleterious"; PolyPhen-2: "Possibly Damaging"; Align-GVGD: "Class C0"). This variant has not been reported in the literature in individuals with PALB2-related disease. This variant is not present in population databases (ExAC no frequency).

NM_024675.4(PALB2):c.763G>C (p.Asp255His)

Gene: PALB2 (partner and localizer of BRCA2; minus strand). Cytogenetic location: 16p12.2.
Variant type: single nucleotide variant.
Coding change: c.763G>C on transcript NM_024675.4 (MANE Select); coding-DNA position 763, G replaced by C.
Protein change: p.Asp255His; replaces aspartic acid 255 with histidine.
Molecular consequence: missense variant.
Genome position (GRCh38, 1-based): chr16:23,635,783, C>G on the plus strand (G>C on the coding strand, the complement: PALB2 is on the minus strand). VCF-style: chr16-23635783-C-G. GRCh37 (hg19) VCF-style: chr16-23647104-C-G.
Other names: short protein forms D255H.
Identifiers: ClinVar variation 578286 (VCV000578286.9), dbSNP rs1567222367, ClinGen allele CA395136147.